The following is an entry in ClinVar:

ClinVar aggregate classification (germline): Benign. Review status: criteria provided, multiple submitters, no conflicts (2 of 4 stars). 2 submissions from 2 submitters: Benign (2). Last evaluated 2018-06-18.

Allele frequency attached by ClinVar (database versions not stated): 1000 Genomes Project 30x 0.67255; 1000 Genomes Project 0.67472; TOPMed 0.74006; gnomAD 0.75511 and 0.75615; gnomAD exomes 0.81222.
gnomAD v4.1: 918,760 of 1,142,654 alleles (80%); highest among the groups gnomAD compares: Non-Finnish European, 85%; 374,300 homozygotes.

Submissions (2):

GeneDx
Classification: Benign. Last evaluated: 2018-06-18. Review status: criteria provided, single submitter. Criteria: GeneDx Variant Classification (06012015). Collection method: clinical testing. Allele origin: germline. Affected: yes.
Comment: This variant is considered likely benign or benign based on one or more of the following criteria: it is a conservative change, it occurs at a poorly conserved position in the protein, it is predicted to be benign by multiple in silico algorithms, and/or has population frequency not consistent with disease.

Breakthrough Genomics
Classification: Benign. Review status: criteria provided, single submitter. Criteria: ACMG Guidelines, 2015. Collection method: not provided. Allele origin: germline. Inheritance: Autosomal dominant inheritance. Affected: yes.

NM_001844.5(COL2A1):c.1023+108T>C

Gene: COL2A1 (collagen type II alpha 1 chain; minus strand). Cytogenetic location: 12q13.11.
Variant type: single nucleotide variant.
Coding change: c.1023+108T>C on transcript NM_001844.5 (MANE Select); 108 bases into the intron after coding-DNA position 1023, T replaced by C.
Molecular consequence: intron variant.
Genome position (GRCh38, 1-based): chr12:47,992,770, A>G on the plus strand (T>C on the coding strand, the complement: COL2A1 is on the minus strand). VCF-style: chr12-47992770-A-G. GRCh37 (hg19) VCF-style: chr12-48386553-A-G.
Other names: c.816+108T>C (NM_033150.3).
Identifiers: ClinVar variation 674982 (VCV000674982.2), dbSNP rs1635534, ClinGen allele CA13588315.